The following is an entry in ClinVar:

NM_001358921.2(COQ2):c.651G>A (p.Ala217=)

Gene: COQ2 (coenzyme Q2, polyprenyltransferase; minus strand). Cytogenetic location: 4q21.23.
Variant type: single nucleotide variant.
Coding change: c.651G>A on transcript NM_001358921.2 (MANE Select); coding-DNA position 651, G replaced by A.
Protein change: p.Ala217=; no amino-acid change (alanine 217 retained).
Molecular consequence: synonymous variant.
Genome position (GRCh38, 1-based): chr4:83,269,971, C>T on the plus strand (G>A on the coding strand, the complement: COQ2 is on the minus strand). VCF-style: chr4-83269971-C-T. GRCh37 (hg19) VCF-style: chr4-84191124-C-T.
Other names: p.Ala267=; c.801G>A, p.Ala267= (NM_015697.9).
Identifiers: ClinVar variation 377741 (VCV000377741.38), dbSNP rs199581249, ClinGen allele CA2988528.

ClinVar aggregate classification (germline): Likely benign. Review status: criteria provided, multiple submitters, no conflicts (2 of 4 stars). 7 submissions from 7 submitters: Likely benign (7). Last evaluated 2026-01-26.

Conditions:
Coenzyme Q10 deficiency, primary, 1. Also called: UBIQUINONE DEFICIENCY 1; COENZYME Q DEFICIENCY 1; CoQ DEFICIENCY 1. Identifiers: Orphanet 255249, MedGen C3551954, MONDO:0011829, OMIM 607426.
Multiple system atrophy 1, susceptibility to. Also called: MSA1, SUSCEPTIBILITY TO. Identifiers: MedGen C3714927, MONDO:0020715, OMIM 146500.

Allele frequency attached by ClinVar (database versions not stated): 1000 Genomes Project 30x 0.00016; 1000 Genomes Project 0.00020; ESP Exome Variant Server 0.00041; ExAC 0.00062; gnomAD exomes 0.00064 and 0.00087; gnomAD 0.00074 and 0.00076; TOPMed 0.00079.
gnomAD v4.1: 1,373 of 1,612,884 alleles (0.085%); highest among the groups gnomAD compares: Admixed American, 0.14%; 1 homozygote.

Submissions (7):

Labcorp Genetics (formerly Invitae), Labcorp
Classification: Likely benign. Last evaluated: 2026-01-26. Review status: criteria provided, single submitter. Criteria: Invitae Variant Classification Sherloc (09022015). Collection method: clinical testing. Allele origin: germline.

Mayo Clinic Laboratories, Mayo Clinic
Classification: Likely benign. Last evaluated: 2025-01-22. Review status: criteria provided, single submitter. Criteria: ACMG Guidelines, 2015. Collection method: clinical testing. Allele origin: germline. Observed: 4 variant alleles.
Comment: BS1, BP4, BP7

Blueprint Genetics
Classification: Likely benign. Last evaluated: 2024-09-09. Review status: criteria provided, single submitter. Criteria: ACMG Guidelines, 2015. Collection method: clinical testing. Allele origin: germline.

CeGaT Center for Human Genetics Tuebingen
Classification: Likely benign. Last evaluated: 2024-02-01. Review status: criteria provided, single submitter. Criteria: CeGaT Center For Human Genetics Tuebingen Variant Classification Criteria Version 2. Collection method: clinical testing. Allele origin: germline. Affected: yes. Observed: 1 variant allele.
Comment: COQ2: BP4, BP7

Fulgent Genetics
Classification: Likely benign for Multiple system atrophy 1, susceptibility to; Coenzyme Q10 deficiency, primary, 1. Last evaluated: 2021-08-17. Review status: criteria provided, single submitter. Criteria: ACMG Guidelines, 2015. Collection method: clinical testing. Allele origin: unknown.

GeneDx
Classification: Likely benign. Last evaluated: 2021-06-21. Review status: criteria provided, single submitter. Criteria: GeneDx Variant Classification Process June 2021. Collection method: clinical testing. Allele origin: germline. Affected: yes.
Comment: This variant is associated with the following publications: (PMID: 25373618)

Breakthrough Genomics
Classification: Likely benign. Review status: criteria provided, single submitter. Criteria: ACMG Guidelines, 2015. Collection method: not provided. Allele origin: germline. Inheritance: Autosomal recessive inheritance. Affected: yes.

Literature cited by the submitters: PubMed 25373618 (cited by Mayo Clinic Laboratories, Mayo Clinic).